The following is an entry in ClinVar:

NC_012920.1(MT-RNR2):m.2483T>C

Gene: MT-RNR2 (mitochondrially encoded 16S RNA; plus strand).
Variant type: single nucleotide variant.
Genome position: chrM-2483-T-C.
Identifiers: ClinVar variation 235652 (VCV000235652.3), dbSNP rs28445203, ClinGen allele CA10581387.

ClinVar aggregate classification (germline): Uncertain significance (1 of 4 stars; one submission).

Submission:

Center for Pediatric Genomic Medicine, Children's Mercy Hospital and Clinics
Classification: Uncertain significance. Last evaluated: 2015-05-29. Review status: criteria provided, single submitter. Criteria: ACMG Guidelines, 2015. Collection method: clinical testing. Allele origin: germline.
ClinVar note: Converted during submission from Uncertain Significance to Uncertain significance.